The following is an entry in ClinVar:

NM_000021.4(PSEN1):c.403A>G (p.Asn135Asp)

Gene: PSEN1 (presenilin 1; plus strand). Cytogenetic location: 14q24.2.
Variant type: single nucleotide variant.
Coding change: c.403A>G on transcript NM_000021.4 (MANE Select); coding-DNA position 403, A replaced by G.
Protein change: p.Asn135Asp; replaces asparagine 135 with aspartic acid.
Molecular consequence: missense variant.
Genome position (GRCh38, 1-based): chr14:73,173,630, A>G. VCF-style: chr14-73173630-A-G. GRCh37 (hg19) VCF-style: chr14-73640338-A-G.
Other names: c.391A>G, p.Asn131Asp (NM_007318.3); short protein forms N135D, N131D.
Identifiers: ClinVar variation 98021 (VCV000098021.9), dbSNP rs63750353, ClinGen allele CA225012.
Genomic context (GRCh38, chr14:73,173,630, plus strand): 5'-TATACCCCATTCACAGAAGATACCGAGACTGTGGGCCAGAGAGCCCTGCACTCAATTCTG[A>G]ATGCTGCCATCATGATCAGTGTCATTGTTGTCATGACTATCCTCCTGGTGGTTCTGTATA-3'
Protein context (NP_000012.1, residues 125-145): VGQRALHSIL[Asn135Asp]AAIMISVIVV

ClinVar aggregate classification (germline): Likely pathogenic. Review status: criteria provided, single submitter (1 of 4 stars). 2 submissions from 2 submitters: Likely pathogenic (1). 1 of the submissions does not count toward it. Last evaluated 2022-08-10.

Conditions:
Alzheimer disease 3 (AD3). Also called: ALZHEIMER DISEASE, FAMILIAL, 3. Identifiers: Orphanet 1020, MedGen C1843013, MONDO:0011913, OMIM 607822.
Acne inversa, familial, 3 (ACNINV3). Identifiers: MedGen C3151038, MONDO:0013398, OMIM 613737.
Frontotemporal dementia (FTD1). Also called: Frontotemporal Dementia with Parkinsonism-17 (FTDP-17); FRONTOTEMPORAL DEMENTIA WITH PARKINSONISM; FRONTOTEMPORAL LOBE DEMENTIA; MULTIPLE SYSTEM TAUOPATHY WITH PRESENILE DEMENTIA; Dementia, frontotemporal, with or without parkinsonism; WILHELMSEN-LYNCH DISEASE. Identifiers: Orphanet 282, MedGen C0338451, MONDO:0017276, OMIM 600274, HP:0002145.
Pick disease. Also called: PICK DISEASE OF BRAIN; DEMENTIA WITH LOBAR ATROPHY AND NEURONAL CYTOPLASMIC INCLUSIONS; LOBAR ATROPHY OF BRAIN; Pick's disease; Pick Disease of the Brain. Identifiers: Orphanet 282, MedGen C0236642, MONDO:0008243, OMIM 172700.

Submissions (2):

Labcorp Genetics (formerly Invitae), Labcorp
Classification: Likely pathogenic for Alzheimer disease 3; Pick disease; Acne inversa, familial, 3; Frontotemporal dementia. Last evaluated: 2022-08-10. Review status: criteria provided, single submitter. Criteria: Invitae Variant Classification Sherloc (09022015). Collection method: clinical testing. Allele origin: germline.
Comment: This sequence change replaces asparagine, which is neutral and polar, with aspartic acid, which is acidic and polar, at codon 135 of the PSEN1 protein (p.Asn135Asp). This variant is not present in population databases (gnomAD no frequency). This missense change has been observed in individual(s) with early onset Alzheimer disease (PMID: 9225696, 26888304). ClinVar contains an entry for this variant (Variation ID: 98021). Advanced modeling of protein sequence and biophysical properties (such as structural, functional, and spatial information, amino acid conservation, physicochemical variation, residue mobility, and thermodynamic stability) performed at Invitae indicates that this missense variant is expected to disrupt PSEN1 protein function. Experimental studies have shown that this missense change affects PSEN1 function (PMID: 27930341). This variant disrupts the p.Asp135 amino acid residue in PSEN1. Other variant(s) that disrupt this residue have been determined to be pathogenic (PMID: 15776278, 18580586, 23383383). This suggests that this residue is clinically significant, and that variants that disrupt this residue are likely to be disease-causing. In summary, the currently available evidence indicates that the variant is pathogenic, but additional data are needed to prove that conclusively. Therefore, this variant has been classified as Likely Pathogenic.

VIB  Department of Molecular Genetics, University of Antwerp
No classification provided. Review status: no classification provided. Collection method: not provided. Allele origin: not provided. Not counted in ClinVar's aggregate classification.

Literature cited by the submitters: PubMed 9225696 (cited by Labcorp Genetics (formerly Invitae), Labcorp); PubMed 26888304 (cited by Labcorp Genetics (formerly Invitae), Labcorp); PubMed 27930341 (cited by Labcorp Genetics (formerly Invitae), Labcorp); PubMed 15776278 (cited by Labcorp Genetics (formerly Invitae), Labcorp); PubMed 18580586 (cited by Labcorp Genetics (formerly Invitae), Labcorp); PubMed 23383383 (cited by Labcorp Genetics (formerly Invitae), Labcorp).